The following is an entry in ClinVar:

NM_005343.4(HRAS):c.443C>G (p.Thr148Ser)

Genes: HRAS (HRas proto-oncogene, GTPase; minus strand), LRRC56 (leucine rich repeat containing 56; plus strand). Cytogenetic location: 11p15.5.
Variant type: single nucleotide variant.
Coding change: c.443C>G on transcript NM_005343.4 (MANE Select); coding-DNA position 443, C replaced by G.
Protein change: p.Thr148Ser; replaces threonine 148 with serine.
Molecular consequence: missense variant.
Genome position (GRCh38, 1-based): chr11:533,460, G>C on the plus strand (C>G on the coding strand, the complement: HRAS is on the minus strand). VCF-style: chr11-533460-G-C. GRCh37 (hg19) VCF-style: chr11-533460-G-C.
Other names: c.443C>G, p.Thr148Ser (NM_001130442.3, NM_176795.5); c.124C>G, p.Pro42Ala (NM_001318054.2); short protein forms P42A, T148S.
Identifiers: ClinVar variation 2893865 (VCV002893865.3), dbSNP rs1851235958, ClinGen allele CA378922744.

ClinVar aggregate classification (germline): Uncertain significance (1 of 4 stars; one submission).

Conditions:
Costello syndrome (CSTLO). Also called: FACIOCUTANEOSKELETAL SYNDROME; FCS SYNDROME; HRAS-Related Costello Syndrome. Identifiers: Orphanet 3071, MedGen C0587248, MONDO:0009026, OMIM 218040.

Allele frequency attached by ClinVar (database versions not stated): TOPMed below 0.00001.
gnomAD v4.1: 1 of 1,613,320 alleles (0.000062%); highest among the groups gnomAD compares: Non-Finnish European, 0.000085%; no homozygotes.

Submission:

Labcorp Genetics (formerly Invitae), Labcorp
Classification: Uncertain significance for Costello syndrome. Last evaluated: 2025-05-05. Review status: criteria provided, single submitter. Criteria: Invitae Variant Classification Sherloc (09022015). Collection method: clinical testing. Allele origin: germline.
Comment: This sequence change replaces threonine, which is neutral and polar, with serine, which is neutral and polar, at codon 148 of the HRAS protein (p.Thr148Ser). This variant is not present in population databases (gnomAD no frequency). This variant has not been reported in the literature in individuals affected with HRAS-related conditions. ClinVar contains an entry for this variant (Variation ID: 2893865). Invitae Evidence Modeling of protein sequence and biophysical properties (such as structural, functional, and spatial information, amino acid conservation, physicochemical variation, residue mobility, and thermodynamic stability) indicates that this missense variant is not expected to disrupt HRAS protein function with a negative predictive value of 95%. In summary, the available evidence is currently insufficient to determine the role of this variant in disease. Therefore, it has been classified as a Variant of Uncertain Significance.